The following is an entry in ClinVar:

ClinVar aggregate classification (germline): Uncertain significance (1 of 4 stars; one submission).

Conditions:
Perlman syndrome (PRLMNS). Identifiers: Orphanet 2849, MedGen C0796113, MONDO:0009965, OMIM 267000.

gnomAD v4.1: 1 of 1,612,798 alleles (0.000062%); highest among the groups gnomAD compares: South Asian, 0.0011%; no homozygotes.

Submission:

Labcorp Genetics (formerly Invitae), Labcorp
Classification: Uncertain significance for Perlman syndrome. Last evaluated: 2022-09-06. Review status: criteria provided, single submitter. Criteria: Invitae Variant Classification Sherloc (09022015). Collection method: clinical testing. Allele origin: germline.
Comment: In summary, the available evidence is currently insufficient to determine the role of this variant in disease. Therefore, it has been classified as a Variant of Uncertain Significance. Algorithms developed to predict the effect of missense changes on protein structure and function output the following: SIFT: "Tolerated"; PolyPhen-2: "Benign"; Align-GVGD: "Class C0". The glutamic acid amino acid residue is found in multiple mammalian species, which suggests that this missense change does not adversely affect protein function. This variant has not been reported in the literature in individuals affected with DIS3L2-related conditions. This variant is present in population databases (rs781674022, gnomAD 0.003%). This sequence change replaces alanine, which is neutral and non-polar, with glutamic acid, which is acidic and polar, at codon 684 of the DIS3L2 protein (p.Ala684Glu).

NM_152383.5(DIS3L2):c.2051C>A (p.Ala684Glu)

Gene: DIS3L2 (DIS3 like 3'-5' exoribonuclease 2; plus strand). Cytogenetic location: 2q37.1.
Variant type: single nucleotide variant.
Coding change: c.2051C>A on transcript NM_152383.5 (MANE Select); coding-DNA position 2051, C replaced by A.
Protein change: p.Ala684Glu; replaces alanine 684 with glutamic acid.
Molecular consequence: missense variant. On other transcripts: non-coding transcript variant (2), intron variant (1).
Genome position (GRCh38, 1-based): chr2:232,333,880, C>A. VCF-style: chr2-232333880-C-A. GRCh37 (hg19) VCF-style: chr2-233198590-C-A.
Other names: c.1582-9465C>A (NM_001257281.2); short protein forms A684E.
Identifiers: ClinVar variation 2045484 (VCV002045484.4), dbSNP rs781674022, ClinGen allele CA2164383.